The following is an entry in ClinVar:

ClinVar aggregate classification (germline): Uncertain significance (1 of 4 stars; one submission).

Conditions:
Hereditary pulmonary alveolar proteinosis. Also called: Pulmonary surfactant metabolism dysfunction. Identifiers: Orphanet 264675, MedGen C3711368, MONDO:0012580.

gnomAD v4.1: 3 of 1,614,054 alleles (0.00019%); highest among the groups gnomAD compares: East Asian, 0.0022%; no homozygotes.

Submission:

Ambry Genetics
Classification: Uncertain significance for Hereditary pulmonary alveolar proteinosis. Last evaluated: 2026-08-16. Review status: criteria provided, single submitter. Criteria: Ambry Variant Classification Scheme 2023. Collection method: clinical testing. Allele origin: germline.
Comment: The p.T65M variant (also known as c.194C>T), located in coding exon 2 of the SFTPC gene, results from a C to T substitution at nucleotide position 194. The threonine at codon 65 is replaced by methionine, an amino acid with similar properties. This amino acid position is conserved. In addition, this alteration is predicted to be deleterious by in silico analysis. Based on the available evidence, the clinical significance of this variant remains unclear.

NM_001317778.2(SFTPC):c.194C>T (p.Thr65Met)

Gene: SFTPC (surfactant protein C; plus strand). Cytogenetic location: 8p21.3.
Variant type: single nucleotide variant.
Coding change: c.194C>T on transcript NM_001317778.2 (MANE Select); coding-DNA position 194, C replaced by T.
Protein change: p.Thr65Met; replaces threonine 65 with methionine.
Molecular consequence: missense variant. On other transcripts: intron variant (2).
Genome position (GRCh38, 1-based): chr8:22,162,725, C>T. VCF-style: chr8-22162725-C-T. GRCh37 (hg19) VCF-style: chr8-22020238-C-T.
Other names: c.194C>T, p.Thr65Met (NM_001172357.2, NM_001172410.2, NM_001317780.2 and 8 more transcripts); c.43-355C>T (NM_001385660.1, NM_001317779.2); short protein forms T65M.
Identifiers: ClinVar variation 5029442 (VCV005029442.1).
Genomic context (GRCh38, chr8:22,162,725, plus strand): 5'-TCATCGTCGTGGTGATTGTGGGAGCCCTGCTCATGGGTCTCCACATGAGCCAGAAACACA[C>T]GGAGATGGTGAGAGGTGTGGGATGCACAGCAGTGGGCACAGGACATGCCAGACAGCGGGG-3'
Protein context (NP_001304707.1, residues 55-75): LMGLHMSQKH[Thr65Met]EMVLEMSIGA